The following is an entry in ClinVar:

ClinVar aggregate classification (germline): Uncertain significance (1 of 4 stars; one submission).

Conditions:
Hereditary sensory and autonomic neuropathy type 6. Also called: Neuropathy, hereditary sensory and autonomic, type VI; HSAN VI. Identifiers: Orphanet 314381, MedGen C3539003, MONDO:0013839, OMIM 614653.
Epidermolysis bullosa simplex 3, localized or generalized intermediate, with BP230 deficiency (EBS3). Also called: Epidermolysis bullosa simplex due to BP230 deficiency; Epidermolysis bullosa simplex, autosomal recessive 2. Identifiers: Orphanet 412181, MedGen C3809470, MONDO:0014180, OMIM 615425.

Allele frequency attached by ClinVar (database versions not stated): gnomAD exomes below 0.00001 and 0.00001; ExAC 0.00001; gnomAD 0.00002; TOPMed 0.00002.

Submission:

Labcorp Genetics (formerly Invitae), Labcorp
Classification: Uncertain significance for Epidermolysis bullosa simplex 3, localized or generalized intermediate, with BP230 deficiency; Hereditary sensory and autonomic neuropathy type 6. Last evaluated: 2022-09-13. Review status: criteria provided, single submitter. Criteria: Invitae Variant Classification Sherloc (09022015). Collection method: clinical testing. Allele origin: germline.
Comment: This sequence change creates a premature translational stop signal (p.Gln2516Alafs*6) in the DST gene. While this is not anticipated to result in nonsense mediated decay, it is expected to disrupt the last 134 amino acid(s) of the DST protein. This variant is present in population databases (rs755021623, gnomAD 0.004%). This variant has not been reported in the literature in individuals affected with DST-related conditions. ClinVar contains an entry for this variant (Variation ID: 1024947). Experimental studies and prediction algorithms are not available or were not evaluated, and the functional significance of this variant is currently unknown. In summary, the available evidence is currently insufficient to determine the role of this variant in disease. Therefore, it has been classified as a Variant of Uncertain Significance.

NM_001723.7(DST):c.7544dup (p.Gln2516fs)

Gene: DST (dystonin; minus strand). Cytogenetic location: 6p12.1.
Variant type: Duplication.
Coding change: c.7544dup on transcript NM_001723.7 (MANE Plus Clinical); coding-DNA position 7544, one base duplicated (A; older notation c.7544dupA).
Protein change: p.Gln2516fs; shifts the reading frame from glutamine 2516.
Molecular consequence: frameshift variant. On other transcripts: intron variant (10).
Genome position (GRCh38, 1-based): chr6:56,615,923, T duplicated on the plus strand (A on the coding strand, the reverse complement: DST is on the minus strand). VCF-style (leftmost placement, unchanged base first): chr6-56615922-C-CT. GRCh37 (hg19) VCF-style: chr6-56480720-C-CT.
Other names: c.4831-1439dup (NM_001144769.5); c.4930-1439dup (NM_001374722.1, NM_001374736.1); c.4957-1439dup (NM_001374734.1); c.4417-1439dup (NM_001144770.2); c.4297-1439dup (NM_001374730.1, NM_001386100.1, NM_183380.4 and 1 more transcripts); c.3319-1439dup (NM_015548.5); short protein forms Q2516fs.
Identifiers: ClinVar variation 1024947 (VCV001024947.4), dbSNP rs755021623, ClinGen allele CA3869940.